The following is an entry in ClinVar:

NM_024753.5(TTC21B):c.2568+6C>G

Gene: TTC21B (tetratricopeptide repeat domain 21B; minus strand). Cytogenetic location: 2q24.3.
Variant type: single nucleotide variant.
Coding change: c.2568+6C>G on transcript NM_024753.5 (MANE Select); 6 bases into the intron after coding-DNA position 2568, C replaced by G.
Molecular consequence: intron variant.
Genome position (GRCh38, 1-based): chr2:165,907,672, G>C on the plus strand (C>G on the coding strand, the complement: TTC21B is on the minus strand). VCF-style: chr2-165907672-G-C. GRCh37 (hg19) VCF-style: chr2-166764182-G-C.
Identifiers: ClinVar variation 1366598 (VCV001366598.6), dbSNP rs2105313543, ClinGen allele CA2573133474.

ClinVar aggregate classification (germline): Uncertain significance (1 of 4 stars; one submission).

Conditions:
Jeune thoracic dystrophy. Also called: Jeune syndrome; Infantile thoracic dystrophy; Thoracic pelvic phalangeal dystrophy; Jeune's syndrome; Chondroectodermal dysplasia-like syndrome; Short-rib thoracic dysplasia. Identifiers: Orphanet 474, MedGen C0265275, MONDO:0018770.
Nephronophthisis. Also called: Juvenile Nephronophthisis. Identifiers: Orphanet 655, MedGen C0687120, MONDO:0019005, HP:0000090.

Submission:

Labcorp Genetics (formerly Invitae), Labcorp
Classification: Uncertain significance for Jeune thoracic dystrophy; Nephronophthisis. Last evaluated: 2022-08-09. Review status: criteria provided, single submitter. Criteria: Invitae Variant Classification Sherloc (09022015). Collection method: clinical testing. Allele origin: germline.
Comment: In summary, the available evidence is currently insufficient to determine the role of this variant in disease. Therefore, it has been classified as a Variant of Uncertain Significance. Variants that disrupt the consensus splice site are a relatively common cause of aberrant splicing (PMID: 17576681, 9536098). Algorithms developed to predict the effect of sequence changes on RNA splicing suggest that this variant is not likely to affect RNA splicing. ClinVar contains an entry for this variant (Variation ID: 1366598). This variant has not been reported in the literature in individuals affected with TTC21B-related conditions. This variant is not present in population databases (gnomAD no frequency). This sequence change falls in intron 19 of the TTC21B gene. It does not directly change the encoded amino acid sequence of the TTC21B protein. It affects a nucleotide within the consensus splice site.

Literature cited by the submitters: PubMed 17576681; PubMed 9536098.